The following is an entry in ClinVar:

NM_001127198.5(TMC6):c.998G>T (p.Gly333Val)

Gene: TMC6 (transmembrane channel like 6; minus strand). Cytogenetic location: 17q25.3.
Variant type: single nucleotide variant.
Coding change: c.998G>T on transcript NM_001127198.5 (MANE Select); coding-DNA position 998, G replaced by T.
Protein change: p.Gly333Val; replaces glycine 333 with valine.
Molecular consequence: missense variant.
Genome position (GRCh38, 1-based): chr17:78,124,073, C>A on the plus strand (G>T on the coding strand, the complement: TMC6 is on the minus strand). VCF-style: chr17-78124073-C-A. GRCh37 (hg19) VCF-style: chr17-76120154-C-A.
Other names: c.998G>T, p.Gly333Val (NM_001321185.1, NM_001374593.1, NM_001374594.1 and 4 more transcripts); short protein forms G333V.
Identifiers: ClinVar variation 847644 (VCV000847644.1), dbSNP rs752101891, ClinGen allele CA8795913.

ClinVar aggregate classification (germline): Uncertain significance (1 of 4 stars; one submission).

Conditions:
Epidermodysplasia verruciformis. Identifiers: Orphanet 302, MedGen C0014522, MONDO:0009176.

Allele frequency attached by ClinVar (database versions not stated): ExAC 0.00001; gnomAD exomes below 0.00001.
gnomAD v4.1: 1 of 1,613,482 alleles (0.000062%); highest among the groups gnomAD compares: Non-Finnish European, 0.000085%; no homozygotes.

Submission:

Labcorp Genetics (formerly Invitae), Labcorp
Classification: Uncertain significance for Epidermodysplasia verruciformis. Last evaluated: 2019-11-26. Review status: criteria provided, single submitter. Criteria: Invitae Variant Classification Sherloc (09022015). Collection method: clinical testing. Allele origin: germline.
Comment: This sequence change replaces glycine with valine at codon 333 of the TMC6 protein (p.Gly333Val). The glycine residue is weakly conserved and there is a moderate physicochemical difference between glycine and valine. This variant is present in population databases (rs752101891, ExAC 0.002%). This variant has not been reported in the literature in individuals with TMC6-related conditions. Algorithms developed to predict the effect of missense changes on protein structure and function output the following: SIFT: "Tolerated"; PolyPhen-2: "Benign"; Align-GVGD: "Class C0". The valine amino acid residue is found in multiple mammalian species, suggesting that this missense change does not adversely affect protein function. These predictions have not been confirmed by published functional studies and their clinical significance is uncertain. In summary, the available evidence is currently insufficient to determine the role of this variant in disease. Therefore, it has been classified as a Variant of Uncertain Significance.